The following is an entry in ClinVar:

NM_020975.6(RET):c.1544G>T (p.Cys515Phe)

Gene: RET (ret proto-oncogene; plus strand). Cytogenetic location: 10q11.21.
Variant type: single nucleotide variant.
Coding change: c.1544G>T on transcript NM_020975.6 (MANE Select); coding-DNA position 1544, G replaced by T.
Protein change: p.Cys515Phe; replaces cysteine 515 with phenylalanine.
Molecular consequence: missense variant.
Genome position (GRCh38, 1-based): chr10:43,112,120, G>T. VCF-style: chr10-43112120-G-T. GRCh37 (hg19) VCF-style: chr10-43607568-G-T.
Other names: c.1256G>T, p.Cys419Phe (NM_001406770.1, NM_001406766.1, NM_001406767.1); c.1106G>T, p.Cys369Phe (NM_001406771.1, NM_001406773.1); c.1148G>T, p.Cys383Phe (NM_001406772.1, NM_001406769.1); c.1019G>T, p.Cys340Phe (NM_001406774.1); c.818G>T, p.Cys273Phe (NM_001406775.1, NM_001406776.1, NM_001406777.1 and 1 more transcripts); c.647G>T, p.Cys216Phe (NM_001406787.1, NM_001406779.1, NM_001406780.1 and 3 more transcripts); c.359G>T, p.Cys120Phe (NM_001406788.1, NM_001406789.1, NM_001406790.1 and 1 more transcripts); c.95G>T, p.Cys32Phe (NM_001406792.1, NM_001406793.1, NM_001406794.1); and 5 more; short protein forms C515F, C261F, C273F, C419F, C32F, C340F, C383F, C472F.
Identifiers: ClinVar variation 3432209 (VCV003432209.2), dbSNP rs1468917724.

ClinVar aggregate classification (germline): Uncertain significance (1 of 4 stars; one submission).
ClinVar aggregate classification (oncogenicity): Uncertain significance (1 of 4 stars; one submission).

Conditions:
Hereditary cancer-predisposing syndrome. Also called: Tumor predisposition; Neoplastic Syndromes, Hereditary; Hereditary Cancer Syndrome; Hereditary neoplastic syndrome. Identifiers: Orphanet 140162, MedGen C0027672, MeSH D009386, MONDO:0015356.
Neoplasm. Also called: Neoplasms; Neoplasm (disease); tumor. Identifiers: MedGen C0027651, MeSH D009369, MONDO:0005070, HP:0002664.

Submissions (2):

Center for Genomic Medicine, Rigshospitalet, Copenhagen University Hospital
Classification: Uncertain significance for Neoplasm. Last evaluated: 2026-10-16. Review status: criteria provided, single submitter. Criteria: ClinGen/CGC/VICC Guidelines for Oncogenicity, 2022. Collection method: clinical testing. Allele origin: somatic. Affected: yes.

Ambry Genetics
Classification: Uncertain significance for Hereditary cancer-predisposing syndrome. Last evaluated: 2024-07-21. Review status: criteria provided, single submitter. Criteria: Ambry Variant Classification Scheme 2023. Collection method: clinical testing. Allele origin: germline.
Comment: The p.C515F variant (also known as c.1544G>T), located in coding exon 8 of the RET gene, results from a G to T substitution at nucleotide position 1544. The cysteine at codon 515 is replaced by phenylalanine, an amino acid with highly dissimilar properties. This amino acid position is well conserved in available vertebrate species. In addition, this alteration is predicted to be deleterious by in silico analysis. Based on the available evidence, the clinical significance of this variant remains unclear.

Literature cited by the submitters: PubMed 25725622 (cited by Center for Genomic Medicine, Rigshospitalet, Copenhagen University Hospital).